The following is an entry in ClinVar:

NM_000484.4(APP):c.1037C>A (p.Ser346Tyr)

Gene: APP (amyloid beta precursor protein; minus strand). Cytogenetic location: 21q21.3.
Variant type: single nucleotide variant.
Coding change: c.1037C>A on transcript NM_000484.4 (MANE Select); coding-DNA position 1037, C replaced by A.
Protein change: p.Ser346Tyr; replaces serine 346 with tyrosine.
Molecular consequence: missense variant. On other transcripts: intron variant (7).
Genome position (GRCh38, 1-based): chr21:25,997,413, G>T on the plus strand (C>A on the coding strand, the complement: APP is on the minus strand). VCF-style: chr21-25997413-G-T. GRCh37 (hg19) VCF-style: chr21-27369728-G-T.
Other names: c.869C>A, p.Ser290Tyr (NM_001136130.3, NM_001385253.1); c.1037C>A, p.Ser346Tyr (NM_001204301.2); c.761-14936C>A (NM_001136131.3); c.698-14936C>A (NM_001136129.3); c.866-14936C>A (NM_001204303.2, NM_201414.3); c.1033+2602C>A (NM_001204302.2, NM_201413.3); c.1018+2602C>A (NM_001136016.3); short protein forms S290Y, S346Y.
Identifiers: ClinVar variation 851473 (VCV000851473.11), dbSNP rs1260561215, ClinGen allele CA409810891.
Genomic context (GRCh38, chr21:25,997,413, plus strand): 5'-AACGTACGTTTAACAGGATCTCGGGCAAGAGGTTCCTGGGTAGTCTTGAGTAAACTTTGG[G>T]ACACTATGGAAAAAATAAGAGAACATAACTAAAAACAAAAAGAGAAACATGGGAATGATG-3'
Protein context (NP_000475.1, residues 336-356): YCMAVCGSAM[Ser346Tyr]QSLLKTTQEP

ClinVar aggregate classification (germline): Uncertain significance. Review status: criteria provided, multiple submitters, no conflicts (2 of 4 stars). 2 submissions from 2 submitters: Uncertain significance (2). Last evaluated 2021-08-11.

Conditions:
Alzheimer disease type 1 (AD1). Also called: ALZHEIMER DISEASE, FAMILIAL, 1, AUTOSOMAL RECESSIVE; ALZHEIMER DISEASE, FAMILIAL, 1. Identifiers: MedGen C1863052, MONDO:0007088, OMIM 104300.
Cerebral amyloid angiopathy, APP-related. Also called: Cerebral amyloid angiopathy, Dutch, Italian, Iowa, Flemish, Arctic variants; AMYLOIDOSIS, CEREBROARTERIAL, APP-RELATED. Identifiers: Orphanet 100006, Orphanet 324703, Orphanet 324708, Orphanet 324713, Orphanet 324718, Orphanet 324723, Orphanet 85458, MedGen C2751536, MONDO:0011583, OMIM 605714.
Alzheimer disease. Also called: Presenile and senile dementia; Alzheimer's disease. Identifiers: Orphanet 1020, MedGen C0002395, MeSH D000544, MONDO:0004975, HP:0002511.

Allele frequency attached by ClinVar (database versions not stated): gnomAD exomes below 0.00001.
gnomAD v4.1: 5 of 1,612,318 alleles (0.00031%); highest among the groups gnomAD compares: East Asian, 0.0022%; no homozygotes.

Submissions (2):

Fulgent Genetics
Classification: Uncertain significance for Alzheimer disease type 1; Cerebral amyloid angiopathy, APP-related. Last evaluated: 2021-08-11. Review status: criteria provided, single submitter. Criteria: ACMG Guidelines, 2015. Collection method: clinical testing. Allele origin: unknown.

Labcorp Genetics (formerly Invitae), Labcorp
Classification: Uncertain significance for Alzheimer disease. Last evaluated: 2019-04-10. Review status: criteria provided, single submitter. Criteria: Invitae Variant Classification Sherloc (09022015). Collection method: clinical testing. Allele origin: germline.
Comment: This sequence change replaces serine with tyrosine at codon 346 of the APP protein (p.Ser346Tyr). The serine residue is moderately conserved and there is a large physicochemical difference between serine and tyrosine. This variant is not present in population databases (ExAC no frequency). This variant has not been reported in the literature in individuals with APP-related disease. Algorithms developed to predict the effect of missense changes on protein structure and function do not agree on the potential impact of this missense change (SIFT: "Deleterious"; PolyPhen-2: "Benign"; Align-GVGD: "Class C0"). In summary, the available evidence is currently insufficient to determine the role of this variant in disease. Therefore, it has been classified as a Variant of Uncertain Significance.